The following is an entry in ClinVar:

NM_001371623.1(TCOF1):c.1522C>T (p.Pro508Ser)

Gene: TCOF1 (treacle ribosome biogenesis factor 1; plus strand). Cytogenetic location: 5q32.
Variant type: single nucleotide variant.
Coding change: c.1522C>T on transcript NM_001371623.1 (MANE Select); coding-DNA position 1522, C replaced by T.
Protein change: p.Pro508Ser; replaces proline 508 with serine.
Molecular consequence: missense variant.
Genome position (GRCh38, 1-based): chr5:150,375,372, C>T. VCF-style: chr5-150375372-C-T. GRCh37 (hg19) VCF-style: chr5-149754935-C-T.
Other names: c.1291C>T, p.Pro431Ser (NM_000356.4, NM_001135245.2); c.1522C>T, p.Pro508Ser (NM_001008657.3, NM_001135243.2, NM_001135244.2 and 1 more transcripts); short protein forms P431S, P508S.
Identifiers: ClinVar variation 1697031 (VCV001697031.6), dbSNP rs1340850886, ClinGen allele CA361746998.
Genomic context (GRCh38, chr5:150,375,372, plus strand): 5'-CCTAATCTTGTCCTTTGTGTCTCCCAGGTGAAGCCCTTGGGGAAAAGCCCCCAGGTGAAA[C>T]CTGCCTCTACCATGGGCATGGGGCCCTTGGGGAAAGGCGCCGGCCCAGTGCCACCCGGGA-3'
Protein context (NP_001358552.1, residues 498-518): KPLGKSPQVK[Pro508Ser]ASTMGMGPLG

ClinVar aggregate classification (germline): Uncertain significance. Review status: criteria provided, multiple submitters, no conflicts (2 of 4 stars). 3 submissions from 3 submitters: Uncertain significance (3). Last evaluated 2026-05-23.

Conditions:
Inborn genetic diseases. Identifiers: MedGen C0950123, MeSH D030342.
Treacher Collins syndrome 1 (TCS1). Also called: TCOF1-Related Treacher Collins Syndrome. Identifiers: Orphanet 861, MedGen CN315775, MONDO:0007944, OMIM 154500.

Allele frequency attached by ClinVar (database versions not stated): gnomAD exomes below 0.00001.
gnomAD v4.1: 1 of 1,612,268 alleles (0.000062%); highest among the groups gnomAD compares: Admixed American, 0.0017%; no homozygotes.

Submissions (3):

Ambry Genetics
Classification: Uncertain significance for Inborn genetic diseases. Last evaluated: 2026-05-23. Review status: criteria provided, single submitter. Criteria: Ambry Variant Classification Scheme 2023. Collection method: clinical testing. Allele origin: germline.
Comment: The c.1522C>T (p.P508S) alteration is located in exon 11 (coding exon 11) of the TCOF1 gene. This alteration results from a C to T substitution at nucleotide position 1522, causing the proline (P) at amino acid position 508 to be replaced by a serine (S). Based on data from gnomAD, the T allele has an overall frequency of <0.001% (1/249198) total alleles studied. The highest observed frequency was 0.003% (1/34550) of Latino alleles. Based on insufficient or conflicting evidence, the clinical significance of this alteration remains unclear.

Labcorp Genetics (formerly Invitae), Labcorp
Classification: Uncertain significance for Treacher Collins syndrome 1. Last evaluated: 2023-01-28. Review status: criteria provided, single submitter. Criteria: Invitae Variant Classification Sherloc (09022015). Collection method: clinical testing. Allele origin: germline.
Comment: This sequence change replaces proline, which is neutral and non-polar, with serine, which is neutral and polar, at codon 508 of the TCOF1 protein (p.Pro508Ser). This variant is present in population databases (no rsID available, gnomAD 0.003%). In summary, the available evidence is currently insufficient to determine the role of this variant in disease. Therefore, it has been classified as a Variant of Uncertain Significance. Advanced modeling of protein sequence and biophysical properties (such as structural, functional, and spatial information, amino acid conservation, physicochemical variation, residue mobility, and thermodynamic stability) performed at Invitae indicates that this missense variant is not expected to disrupt TCOF1 protein function. ClinVar contains an entry for this variant (Variation ID: 1697031). This variant has not been reported in the literature in individuals affected with TCOF1-related conditions.

GeneDx
Classification: Uncertain significance. Last evaluated: 2022-01-12. Review status: criteria provided, single submitter. Criteria: GeneDx Variant Classification Process June 2021. Collection method: clinical testing. Allele origin: germline. Affected: yes.
Comment: In silico analysis supports that this missense variant has a deleterious effect on protein structure/function; Has not been previously published as pathogenic or benign to our knowledge